The following is an entry in ClinVar:

NM_001385125.1(OPN1SW):c.490C>A (p.Pro164Thr)

Gene: OPN1SW (opsin 1, short wave sensitive; minus strand). Cytogenetic location: 7q32.1.
Variant type: single nucleotide variant.
Coding change: c.490C>A on transcript NM_001385125.1 (MANE Select); coding-DNA position 490, C replaced by A.
Protein change: p.Pro164Thr; replaces proline 164 with threonine.
Molecular consequence: missense variant.
Genome position (GRCh38, 1-based): chr7:128,775,008, G>T on the plus strand (C>A on the coding strand, the complement: OPN1SW is on the minus strand). VCF-style: chr7-128775008-G-T. GRCh37 (hg19) VCF-style: chr7-128415062-G-T.
Other names: short protein forms P164T.
Identifiers: ClinVar variation 2741416 (VCV002741416.3), dbSNP rs2536291969, ClinGen allele CA369220204.

ClinVar aggregate classification (germline): Uncertain significance (1 of 4 stars; one submission).

Submission:

Labcorp Genetics (formerly Invitae), Labcorp
Classification: Uncertain significance. Last evaluated: 2023-06-13. Review status: criteria provided, single submitter. Criteria: Invitae Variant Classification Sherloc (09022015). Collection method: clinical testing. Allele origin: germline.
Comment: This sequence change replaces proline, which is neutral and non-polar, with threonine, which is neutral and polar, at codon 167 of the OPN1SW protein (p.Pro167Thr). In summary, the available evidence is currently insufficient to determine the role of this variant in disease. Therefore, it has been classified as a Variant of Uncertain Significance. Algorithms developed to predict the effect of sequence changes on RNA splicing suggest that this variant may disrupt the consensus splice site. An algorithm developed to predict the effect of missense changes on protein structure and function (PolyPhen-2) suggests that this variant is likely to be disruptive. This variant has not been reported in the literature in individuals affected with OPN1SW-related conditions. This variant is not present in population databases (gnomAD no frequency).